The following is an entry in ClinVar:

NM_030632.3(ASXL3):c.2152C>T (p.Pro718Ser)

Gene: ASXL3 (ASXL transcriptional regulator 3; plus strand). Cytogenetic location: 18q12.1.
Variant type: single nucleotide variant.
Coding change: c.2152C>T on transcript NM_030632.3 (MANE Select); coding-DNA position 2152, C replaced by T.
Protein change: p.Pro718Ser; replaces proline 718 with serine.
Molecular consequence: missense variant.
Genome position (GRCh38, 1-based): chr18:33,739,556, C>T. VCF-style: chr18-33739556-C-T. GRCh37 (hg19) VCF-style: chr18-31319520-C-T.
Other names: short protein forms P718S.
Identifiers: ClinVar variation 385306 (VCV000385306.8), dbSNP rs905872208, ClinGen allele CA16607925.
Genomic context (GRCh38, chr18:33,739,556, plus strand): 5'-TTACCATTAACATCTGAAGCATCACCAGTATCCAACTTACCTTTAACATCAGAAACCTCA[C>T]CGATGTCTGACTTACCTTTAACATCAGAAACTTCTTCAGTGTCTTCCATGCTTCTCACCT-3'
Protein context (NP_085135.1, residues 708-728): SNLPLTSETS[Pro718Ser]MSDLPLTSET

ClinVar aggregate classification (germline): Conflicting classifications of pathogenicity. Review status: criteria provided, conflicting classifications (1 of 4 stars). 2 submissions from 2 submitters: Uncertain significance (1); Likely benign (1). Last evaluated 2025-11-01.

Allele frequency attached by ClinVar (database versions not stated): gnomAD exomes 0.00001; gnomAD 0.00002; TOPMed 0.00002.
gnomAD v4.1: 17 of 1,613,892 alleles (0.0011%); highest among the groups gnomAD compares: Non-Finnish European, 0.0014%; no homozygotes.

Submissions (2):

CeGaT Center for Human Genetics Tuebingen
Classification: Likely benign. Last evaluated: 2025-11-01. Review status: criteria provided, single submitter. Criteria: CeGaT Center For Human Genetics Tuebingen Variant Classification Criteria Version 2. Collection method: clinical testing. Allele origin: germline. Affected: yes. Observed: 1 variant allele.
Comment: ASXL3: BP4

GeneDx
Classification: Uncertain significance. Last evaluated: 2016-03-31. Review status: criteria provided, single submitter. Criteria: GeneDx Variant Classification (06012015). Collection method: clinical testing. Allele origin: germline. Affected: yes.
Comment: The P718S variant in the ASXL3 gene has not been reported previously as a pathogenic variant, nor as a benign variant, to our knowledge. The P718S variant was not observed in approximately 6,100 individuals of European and African American ancestry in the NHLBI Exome Sequencing Project, indicating it is not a common benign variant in these populations. The P718S variant is a non-conservative amino acid substitution, which is likely to impact secondary protein structure as these residues differ in polarity, charge, size and/or other properties. This substitution occurs at a position that is conserved across species. In silico analysis is inconsistent in its predictions as to whether or not the variant is damaging to the protein structure/function. We interpret P718S as a variant of uncertain significance.